The following is an entry in ClinVar:

ClinVar aggregate classification (germline): Pathogenic (1 of 4 stars; one submission).

Conditions:
Nemaline myopathy 2 (NEM2). Also called: Nemaline myopathy 2, autosomal recessive. Identifiers: MedGen C1850569, MONDO:0009725, OMIM 256030.

Submission:

Baylor Genetics
Classification: Pathogenic for Nemaline myopathy 2. Last evaluated: 2019-09-25. Review status: criteria provided, single submitter. Criteria: ACMG Guidelines, 2015. Collection method: clinical testing. Allele origin: unknown. Affected: yes.
Comment: This variant was determined to be pathogenic according to ACMG Guidelines, 2015 [PMID:25741868].

NM_001164508.2(NEB):c.5388T>A (p.Tyr1796Ter)

Gene: NEB (nebulin; minus strand). Cytogenetic location: 2q23.3.
Variant type: single nucleotide variant.
Coding change: c.5388T>A on transcript NM_001164508.2 (MANE Select); coding-DNA position 5388, T replaced by A.
Protein change: p.Tyr1796Ter; replaces tyrosine 1796 with a stop codon.
Molecular consequence: nonsense.
Genome position (GRCh38, 1-based): chr2:151,664,564, A>T on the plus strand (T>A on the coding strand, the complement: NEB is on the minus strand). VCF-style: chr2-151664564-A-T. GRCh37 (hg19) VCF-style: chr2-152521078-A-T.
Other names: c.5388T>A, p.Tyr1796Ter (NM_001164507.2, NM_001271208.2, NM_004543.5); short protein forms Y1796*.
Identifiers: ClinVar variation 1031200 (VCV001031200.1), dbSNP rs2099187757, ClinGen allele CA348810671.